The following is an entry in ClinVar:

ClinVar aggregate classification (germline): Uncertain significance. Review status: criteria provided, multiple submitters, no conflicts (2 of 4 stars). 2 submissions from 2 submitters: Uncertain significance (2). Last evaluated 2025-09-10.

Conditions:
Autosomal dominant Parkinson disease 8. Also called: Parkinson disease 8, susceptibility to; LRRK2-Related Parkinson Disease; Parkinson disease 8. Identifiers: Orphanet 411602, MedGen C1846862, MONDO:0011764, OMIM 607060.

Allele frequency attached by ClinVar (database versions not stated): gnomAD 0.00005; ExAC 0.00004.
gnomAD v4.1: 27 of 1,607,950 alleles (0.0017%); highest among the groups gnomAD compares: Middle Eastern, 0.017%; no homozygotes.

Submissions (2):

Labcorp Genetics (formerly Invitae), Labcorp
Classification: Uncertain significance for Autosomal dominant Parkinson disease 8. Last evaluated: 2025-09-10. Review status: criteria provided, single submitter. Criteria: Invitae Variant Classification Sherloc (09022015). Collection method: clinical testing. Allele origin: germline.
Comment: This sequence change replaces serine, which is neutral and polar, with arginine, which is basic and polar, at codon 2257 of the LRRK2 protein (p.Ser2257Arg). The frequency data for this variant in the population databases is considered unreliable, as metrics indicate poor data quality at this position in the gnomAD database. This variant has not been reported in the literature in individuals affected with LRRK2-related conditions. ClinVar contains an entry for this variant (Variation ID: 2671644). An algorithm developed to predict the effect of missense changes on protein structure and function (PolyPhen-2) suggests that this variant is likely to be tolerated. In summary, the available evidence is currently insufficient to determine the role of this variant in disease. Therefore, it has been classified as a Variant of Uncertain Significance.

Neuberg Centre For Genomic Medicine, NCGM
Classification: Uncertain significance for Autosomal dominant Parkinson disease 8. Last evaluated: 2023-02-14. Review status: criteria provided, single submitter. Criteria: ACMG Guidelines, 2015. Collection method: clinical testing. Allele origin: germline. Inheritance: Autosomal dominant inheritance. Affected: yes.
Comment: The missense c.6771C>A (p.Ser2257Arg) variant in the LRRK2 gene has not been reported previously as a pathogenic variant nor as a benign variant, to our knowledge. This variant is reported with the allele frequency (0.001%) in the gnomAD Exomes and novel in 1000 Genomes. The amino acid Serine at position 2257 is changed to a Arginine changing protein sequence and it might alter its composition and physico-chemical properties. The amino acid change p.Ser2257Arg in LRRK2 is predicted as conserved by GERP++ and PhyloP across 100 vertebrates. For these reasons, this variant has been classified as Uncertain Significance.

NM_198578.4(LRRK2):c.6771C>A (p.Ser2257Arg)

Gene: LRRK2 (leucine rich repeat kinase 2; plus strand). Cytogenetic location: 12q12.
Variant type: single nucleotide variant.
Coding change: c.6771C>A on transcript NM_198578.4 (MANE Select); coding-DNA position 6771, C replaced by A.
Protein change: p.Ser2257Arg; replaces serine 2257 with arginine.
Molecular consequence: missense variant.
Genome position (GRCh38, 1-based): chr12:40,356,115, C>A. VCF-style: chr12-40356115-C-A. GRCh37 (hg19) VCF-style: chr12-40749917-C-A.
Other names: short protein forms S2257R.
Identifiers: ClinVar variation 2671644 (VCV002671644.3), dbSNP rs200300610, ClinGen allele CA6514762.